The following is an entry in ClinVar:

ClinVar aggregate classification (germline): Likely pathogenic (1 of 4 stars; one submission).

Conditions:
Dilated cardiomyopathy 1G (CMD1G). Identifiers: Orphanet 154, MedGen C1858763, MONDO:0011400, OMIM 604145.
Autosomal recessive limb-girdle muscular dystrophy type 2J (LGMDR10). Also called: Limb-girdle muscular dystrophy, type 2J; MUSCULAR DYSTROPHY, LIMB-GIRDLE, AUTOSOMAL RECESSIVE 10. Identifiers: Orphanet 140922, MedGen C1837342, MONDO:0012127, OMIM 608807.

Submission:

Labcorp Genetics (formerly Invitae), Labcorp
Classification: Likely pathogenic for Dilated cardiomyopathy 1G; Autosomal recessive limb-girdle muscular dystrophy type 2J. Last evaluated: 2023-12-30. Review status: criteria provided, single submitter. Criteria: Invitae Variant Classification Sherloc (09022015). Collection method: clinical testing. Allele origin: germline.
Comment: This sequence change creates a premature translational stop signal (p.Glu15796Leufs*3) in the TTN gene. While this is not anticipated to result in nonsense mediated decay, it is expected to create a truncated TTN protein. This variant is not present in population databases (gnomAD no frequency). This premature translational stop signal has been observed in individual(s) with dilated cardiomyopathy (Invitae). This variant is located in the A band of TTN (PMID: 25589632). Truncating variants in this region are significantly overrepresented in patients affected with dilated cardiomyopathy (PMID: 25589632). Truncating variants in this region have also been reported in individuals affected with autosomal recessive centronuclear myopathy (PMID: 23975875). In summary, the currently available evidence indicates that the variant is pathogenic, but additional data are needed to prove that conclusively. Therefore, this variant has been classified as Likely Pathogenic.

Literature cited by the submitters: PubMed 25589632; PubMed 23975875.

NM_001267550.2(TTN):c.47384_47385insCT (p.Glu15796fs)

Genes: TTN-AS1 (TTN antisense RNA 1; plus strand), TTN (titin; minus strand). Cytogenetic location: 2q31.2.
Variant type: Insertion.
Coding change: c.47384_47385insCT on transcript NM_001267550.2 (MANE Select); coding-DNA positions 47384 to 47385, CT inserted.
Protein change: p.Glu15796fs; shifts the reading frame from glutamic acid 15796.
Molecular consequence: frameshift variant.
Genome position: GRCh38 VCF-style: chr2-178617966-A-AAG. GRCh37 (hg19) VCF-style: chr2-179482693-A-AAG.
Other names: c.42461_42462insCT, p.Glu14155fs (NM_001256850.1); c.20189_20190insCT, p.Glu6731fs (NM_003319.4); c.39680_39681insCT, p.Glu13228fs (NM_133378.4); c.20564_20565insCT, p.Glu6856fs (NM_133432.3); c.20765_20766insCT, p.Glu6923fs (NM_133437.4); short protein forms E15796fs, E6731fs, E6856fs, E13228fs, E14155fs, E6923fs.
Identifiers: ClinVar variation 2921822 (VCV002921822.3), dbSNP rs2470878898, ClinGen allele CA2586970779.